The following is an entry in ClinVar:

ClinVar aggregate classification (germline): Conflicting classifications of pathogenicity. Review status: criteria provided, conflicting classifications (1 of 4 stars). 2 submissions from 2 submitters: Uncertain significance (1); Likely benign (1). Last evaluated 2021-11-09.

Conditions:
Inborn genetic diseases. Identifiers: MedGen C0950123, MeSH D030342.
Hereditary insensitivity to pain with anhidrosis (CIPA). Also called: hereditary sensory and autonomic neuropathy type 4; FAMILIAL DYSAUTONOMIA, TYPE II; INSENSITIVITY TO PAIN, CONGENITAL, WITH ANHIDROSIS; NEUROPATHY, CONGENITAL SENSORY, WITH ANHIDROSIS; HSAN Type IV; NTRK1 Congenital Insensitivity to Pain with Anhidrosis. Identifiers: Orphanet 642, MedGen C0020074, MONDO:0009746, OMIM 256800.

Submissions (2):

Ambry Genetics
Classification: Likely benign for Inborn genetic diseases. Last evaluated: 2021-11-09. Review status: criteria provided, single submitter. Criteria: Ambry Variant Classification Scheme 2023. Collection method: clinical testing. Allele origin: germline.

Labcorp Genetics (formerly Invitae), Labcorp
Classification: Uncertain significance for Hereditary insensitivity to pain with anhidrosis. Last evaluated: 2021-08-24. Review status: criteria provided, single submitter. Criteria: Invitae Variant Classification Sherloc (09022015). Collection method: clinical testing. Allele origin: germline.
Comment: This sequence change replaces glutamine with histidine at codon 289 of the NTRK1 protein (p.Gln289His). The glutamine residue is weakly conserved and there is a small physicochemical difference between glutamine and histidine. This variant is not present in population databases (ExAC no frequency). This variant has not been reported in the literature in individuals affected with NTRK1-related conditions. Algorithms developed to predict the effect of missense changes on protein structure and function output the following: SIFT: "Tolerated"; PolyPhen-2: "Benign"; Align-GVGD: "Class C0". The histidine amino acid residue is found in multiple mammalian species, which suggests that this missense change does not adversely affect protein function. In summary, the available evidence is currently insufficient to determine the role of this variant in disease. Therefore, it has been classified as a Variant of Uncertain Significance.

NM_002529.4(NTRK1):c.867G>C (p.Gln289His)

Gene: NTRK1 (neurotrophic receptor tyrosine kinase 1; plus strand). Cytogenetic location: 1q23.1.
Variant type: single nucleotide variant.
Coding change: c.867G>C on transcript NM_002529.4 (MANE Select); coding-DNA position 867, G replaced by C.
Protein change: p.Gln289His; replaces glutamine 289 with histidine.
Molecular consequence: missense variant.
Genome position (GRCh38, 1-based): chr1:156,873,649, G>C. VCF-style: chr1-156873649-G-C. GRCh37 (hg19) VCF-style: chr1-156843441-G-C.
Other names: c.777G>C, p.Gln259His (NM_001007792.1); c.867G>C, p.Gln289His (NM_001012331.2); short protein forms Q259H, Q289H.
Identifiers: ClinVar variation 839903 (VCV000839903.7), dbSNP rs1647699293, ClinGen allele CA342935487.